The following is an entry in ClinVar:

ClinVar aggregate classification (germline): Conflicting classifications of pathogenicity. Review status: criteria provided, conflicting classifications (1 of 4 stars). 11 submissions from 11 submitters: Uncertain significance (5); Likely benign (4). 2 of the submissions do not count toward it. Last evaluated 2026-06-22.

Conditions:
VPS13B-related disorder. Also called: VPS13B-related condition.
Cohen syndrome (COH1). Also called: Cutis verticis gyrata, retinitis pigmentosa, and sensorineural deafness; PEPPER SYNDROME. Identifiers: Orphanet 193, MedGen C0265223, MONDO:0008999, OMIM 216550.
Inborn genetic diseases. Identifiers: MedGen C0950123, MeSH D030342.

Allele frequency attached by ClinVar (database versions not stated): ESP Exome Variant Server 0.00115; gnomAD exomes 0.00019; 1000 Genomes Project 0.00020; ExAC 0.00029; 1000 Genomes Project 30x 0.00031; gnomAD 0.00067 and 0.00073; TOPMed 0.00085.
gnomAD v4.1: 194 of 1,609,248 alleles (0.012%); highest among the groups gnomAD compares: African/African-American, 0.22%; 2 homozygotes.

Submissions (11):

GeneDx
Classification: Uncertain significance. Last evaluated: 2026-06-22. Review status: criteria provided, single submitter. Criteria: GeneDx Variant Classification Process June 2021. Collection method: clinical testing. Allele origin: germline.
Comment: In silico analysis supports that this missense variant has a deleterious effect on protein structure/function; Has not been previously published as pathogenic or benign to our knowledge

Women's Health and Genetics/Laboratory Corporation of America, LabCorp
Classification: Likely benign. Last evaluated: 2026-05-06. Review status: criteria provided, single submitter. Criteria: LabCorp Variant Classification Summary - May 2015. Collection method: clinical testing. Allele origin: germline.
Comment: Variant summary: VPS13B c.3656C>G (p.Ser1219Cys) results in a non-conservative amino acid change in the encoded protein sequence. Algorithms developed to predict the effect of missense changes on protein structure and function are either unavailable or do not agree on the potential impact of this missense change. The variant allele was found at a frequency of 0.00019 in 250846 control chromosomes, predominantly at a frequency of 0.0025 within the African or African-American subpopulation in the gnomAD database, including 1 homozygotes. The observed variant frequency within African or African-American control individuals in the gnomAD database exceeds the estimated maximal expected allele frequency for disease-causing variants in VPS13B. To our knowledge, no occurrence of c.3656C>G in individuals affected with VPS13B-related conditions and no experimental evidence demonstrating its impact on protein function have been reported. ClinVar contains an entry for this variant (Variation ID: 287997). Based on the evidence outlined above, the variant was classified as likely benign.

Labcorp Genetics (formerly Invitae), Labcorp
Classification: Likely benign for Cohen syndrome. Last evaluated: 2026-01-16. Review status: criteria provided, single submitter. Criteria: Invitae Variant Classification Sherloc (09022015). Collection method: clinical testing. Allele origin: germline.

Blueprint Genetics
Classification: Likely benign. Last evaluated: 2024-05-08. Review status: criteria provided, single submitter. Criteria: ACMG Guidelines, 2015. Collection method: clinical testing. Allele origin: germline.

Mayo Clinic Laboratories, Mayo Clinic
Classification: Likely benign. Last evaluated: 2024-03-29. Review status: criteria provided, single submitter. Criteria: ACMG Guidelines, 2015. Collection method: clinical testing. Allele origin: germline. Observed: 4 variant alleles.

Genetic Services Laboratory, University of Chicago
Classification: Uncertain significance. Last evaluated: 2021-12-20. Review status: criteria provided, single submitter. Criteria: ACMG Guidelines, 2015. Collection method: clinical testing. Allele origin: germline. Affected: no.
Comment: DNA sequence analysis of the VPS13B gene demonstrated a sequence change, c.3656C>G, in exon 24 that results in an amino acid change, p.Ser1219Cys. This sequence change does not appear to have been previously described in individuals with VPS13B-related disorders. This sequence change has been described in the gnomAD database with a frequency of 0.21% in the African/African American subpopulation and includes one homozygous individual (dbSNP rs149478021). The p.Ser1219Cys change affects a moderately conserved amino acid residue located in a domain of the VPS13B protein that is not known to be functional. In-silico pathogenicity prediction tools (SIFT, PolyPhen2, Align GVGD, REVEL) provide contradictory results for the p.Ser1219Cys substitution. Due to insufficient evidences and the lack of functional studies, the clinical significance of the p.Ser1219Cys change remains unknown at this time.

Revvity Omics, Revvity
Classification: Uncertain significance for Cohen syndrome. Last evaluated: 2021-06-05. Review status: criteria provided, single submitter. Criteria: ACMG Guidelines, 2015. Collection method: clinical testing. Allele origin: germline.

Ambry Genetics
Classification: Uncertain significance for Inborn genetic diseases. Last evaluated: 2018-01-03. Review status: criteria provided, single submitter. Criteria: Ambry Variant Classification Scheme 2023. Collection method: clinical testing. Allele origin: germline.
Comment: The p.S1219C variant (also known as c.3656C>G), located in coding exon 23 of the VPS13B gene, results from a C to G substitution at nucleotide position 3656. The serine at codon 1219 is replaced by cysteine, an amino acid with dissimilar properties. This amino acid position is highly conserved in available vertebrate species. In addition, this alteration is predicted to be deleterious by in silico analysis. Since supporting evidence is limited at this time, the clinical significance of this alteration remains unclear.

Eurofins Ntd Llc (ga)
Classification: Uncertain significance. Last evaluated: 2016-06-16. Review status: criteria provided, single submitter. Criteria: EGL Classification Definitions 2015. Collection method: clinical testing. Allele origin: germline. Observed: 1 variant allele, 1 heterozygote.

PreventionGenetics, part of Exact Sciences
Classification: Likely benign for VPS13B-related condition. Last evaluated: 2022-04-14. Review status: no assertion criteria provided. Collection method: clinical testing. Allele origin: germline. Not counted in ClinVar's aggregate classification.
Comment: This variant is classified as likely benign based on ACMG/AMP sequence variant interpretation guidelines (Richards et al. 2015 PMID: 25741868, with internal and published modifications).

Natera, Inc.
Classification: Benign for Cohen syndrome. Last evaluated: 2019-11-11. Review status: no assertion criteria provided. Collection method: clinical testing. Allele origin: germline. Not counted in ClinVar's aggregate classification.

NM_152564.5(VPS13B):c.3656C>G (p.Ser1219Cys)

Gene: VPS13B (vacuolar protein sorting 13 homolog B; plus strand). Cytogenetic location: 8q22.2.
Variant type: single nucleotide variant.
Coding change: c.3656C>G on transcript NM_152564.5 (MANE Select); coding-DNA position 3656, C replaced by G.
Protein change: p.Ser1219Cys; replaces serine 1219 with cysteine.
Molecular consequence: missense variant.
Genome position (GRCh38, 1-based): chr8:99,467,624, C>G. VCF-style: chr8-99467624-C-G. GRCh37 (hg19) VCF-style: chr8-100479852-C-G.
Other names: p.Ser1219Cys; c.3656C>G, p.Ser1219Cys (NM_017890.5); c.3656C>G (NM_152564.4, NM_017890.3); short protein forms S1219C.
Identifiers: ClinVar variation 287997 (VCV000287997.33), dbSNP rs149478021, ClinGen allele CA4823293.
Genomic context (GRCh38, chr8:99,467,624, plus strand): 5'-CACGACATTCATTTGTTGTCTGTCTCCATGTTGACCTAGAGTCACTAGAGATAAAATGCT[C>G]TAATCCCCAGGTTGGTACATTTGATTTATGAAAGGAAATTTAAAGTAATGTGATTTAAAA-3'
Protein context (NP_689777.3, residues 1209-1229): VDLESLEIKC[Ser1219Cys]NPQVQLFYEL